The following is an entry in ClinVar:

ClinVar aggregate classification (germline): Uncertain significance (1 of 4 stars; one submission).

Submission:

GeneDx
Classification: Uncertain significance. Last evaluated: 2025-02-05. Review status: criteria provided, single submitter. Criteria: GeneDx Variant Classification Process June 2021. Collection method: clinical testing. Allele origin: germline. Affected: yes.
Comment: Not observed at significant frequency in large population cohorts (gnomAD); In silico analysis indicates that this missense variant does not alter protein structure/function; Has not been previously published as pathogenic or benign to our knowledge

NM_001136472.2(LITAF):c.250C>G (p.Pro84Ala)

Gene: LITAF (lipopolysaccharide induced TNF factor; minus strand). Cytogenetic location: 16p13.13.
Variant type: single nucleotide variant.
Coding change: c.250C>G on transcript NM_001136472.2 (MANE Select); coding-DNA position 250, C replaced by G.
Protein change: p.Pro84Ala; replaces proline 84 with alanine.
Molecular consequence: missense variant. On other transcripts: non-coding transcript variant (1).
Genome position (GRCh38, 1-based): chr16:11,553,660, G>C on the plus strand (C>G on the coding strand, the complement: LITAF is on the minus strand). VCF-style: chr16-11553660-G-C. GRCh37 (hg19) VCF-style: chr16-11647516-G-C.
Other names: c.250C>G, p.Pro84Ala (NM_001136473.1, NM_004862.4); short protein forms P84A.
Identifiers: ClinVar variation 4074526 (VCV004074526.1).